The following is an entry in ClinVar:

NM_018131.5(CEP55):c.1136T>C (p.Val379Ala)

Gene: CEP55 (centrosomal protein 55; plus strand). Cytogenetic location: 10q23.33.
Variant type: single nucleotide variant.
Coding change: c.1136T>C on transcript NM_018131.5 (MANE Select); coding-DNA position 1136, T replaced by C.
Protein change: p.Val379Ala; replaces valine 379 with alanine.
Molecular consequence: missense variant.
Genome position (GRCh38, 1-based): chr10:93,519,752, T>C. VCF-style: chr10-93519752-T-C. GRCh37 (hg19) VCF-style: chr10-95279509-T-C.
Other names: c.1136T>C, p.Val379Ala (NM_001127182.2); c.1136T>C (NM_018131.4); short protein forms V379A.
Identifiers: ClinVar variation 2178121 (VCV002178121.5), dbSNP rs199929244, ClinGen allele CA5609111.

ClinVar aggregate classification (germline): Uncertain significance. Review status: criteria provided, multiple submitters, no conflicts (2 of 4 stars). 2 submissions from 2 submitters: Uncertain significance (2). Last evaluated 2025-08-12.

Conditions:
Inborn genetic diseases. Identifiers: MedGen C0950123, MeSH D030342.

Allele frequency attached by ClinVar (database versions not stated): gnomAD exomes 0.00002; gnomAD 0.00003; ExAC 0.00005; TOPMed 0.00008.
gnomAD v4.1: 40 of 1,614,056 alleles (0.0025%); highest among the groups gnomAD compares: Admixed American, 0.017%; no homozygotes.

Submissions (2):

Ambry Genetics
Classification: Uncertain significance for Inborn genetic diseases. Last evaluated: 2025-08-12. Review status: criteria provided, single submitter. Criteria: Ambry Variant Classification Scheme 2023. Collection method: clinical testing. Allele origin: germline.

Labcorp Genetics (formerly Invitae), Labcorp
Classification: Uncertain significance. Last evaluated: 2025-05-05. Review status: criteria provided, single submitter. Criteria: Invitae Variant Classification Sherloc (09022015). Collection method: clinical testing. Allele origin: germline.
Comment: This sequence change replaces valine, which is neutral and non-polar, with alanine, which is neutral and non-polar, at codon 379 of the CEP55 protein (p.Val379Ala). This variant is present in population databases (rs199929244, gnomAD 0.02%). This variant has not been reported in the literature in individuals affected with CEP55-related conditions. ClinVar contains an entry for this variant (Variation ID: 2178121). An algorithm developed to predict the effect of missense changes on protein structure and function (PolyPhen-2) suggests that this variant is likely to be tolerated. In summary, the available evidence is currently insufficient to determine the role of this variant in disease. Therefore, it has been classified as a Variant of Uncertain Significance.